The following is an entry in ClinVar:

ClinVar aggregate classification (germline): Conflicting classifications of pathogenicity. Review status: criteria provided, conflicting classifications (1 of 4 stars). 2 submissions from 2 submitters: Uncertain significance (1); Likely benign (1). Last evaluated 2025-01-17.

Allele frequency attached by ClinVar (database versions not stated): gnomAD 0.00001; gnomAD exomes 0.00002; 1000 Genomes Project 30x 0.00016; 1000 Genomes Project 0.00020; TOPMed 0.00004; ExAC 0.00005.
gnomAD v4.1: 32 of 1,611,342 alleles (0.002%); highest among the groups gnomAD compares: South Asian, 0.0088%; no homozygotes.

Submissions (2):

Ambry Genetics
Classification: Likely benign. Last evaluated: 2025-01-17. Review status: criteria provided, single submitter. Criteria: Ambry Variant Classification Scheme 2023. Collection method: clinical testing. Allele origin: germline.

Labcorp Genetics (formerly Invitae), Labcorp
Classification: Uncertain significance. Last evaluated: 2024-01-22. Review status: criteria provided, single submitter. Criteria: Invitae Variant Classification Sherloc (09022015). Collection method: clinical testing. Allele origin: germline.
Comment: This sequence change replaces arginine, which is basic and polar, with histidine, which is basic and polar, at codon 122 of the GLYCTK protein (p.Arg122His). This variant is present in population databases (rs199508919, gnomAD 0.007%). This variant has not been reported in the literature in individuals affected with GLYCTK-related conditions. ClinVar contains an entry for this variant (Variation ID: 2071476). Algorithms developed to predict the effect of missense changes on protein structure and function output the following: SIFT: "Not Available"; PolyPhen-2: "Benign"; Align-GVGD: "Not Available". The histidine amino acid residue is found in multiple mammalian species, which suggests that this missense change does not adversely affect protein function. In summary, the available evidence is currently insufficient to determine the role of this variant in disease. Therefore, it has been classified as a Variant of Uncertain Significance.

NM_145262.4(GLYCTK):c.365G>A (p.Arg122His)

Gene: GLYCTK (glycerate kinase; plus strand). Cytogenetic location: 3p21.2.
Variant type: single nucleotide variant.
Coding change: c.365G>A on transcript NM_145262.4 (MANE Select); coding-DNA position 365, G replaced by A.
Protein change: p.Arg122His; replaces arginine 122 with histidine.
Molecular consequence: missense variant. On other transcripts: non-coding transcript variant (3).
Genome position (GRCh38, 1-based): chr3:52,290,707, G>A. VCF-style: chr3-52290707-G-A. GRCh37 (hg19) VCF-style: chr3-52324723-G-A.
Other names: c.365G>A, p.Arg122His (NM_001144951.2); c.365G>A (NM_145262.3); short protein forms R122H.
Identifiers: ClinVar variation 2071476 (VCV002071476.5), dbSNP rs199508919, ClinGen allele CA2432043.